The following is an entry in ClinVar:

NM_206926.2(SELENON):c.1265T>G (p.Leu422Arg)

Gene: SELENON (selenoprotein N; plus strand). Cytogenetic location: 1p36.11.
Variant type: single nucleotide variant.
Coding change: c.1265T>G on transcript NM_206926.2 (MANE Select); coding-DNA position 1265, T replaced by G.
Protein change: p.Leu422Arg; replaces leucine 422 with arginine.
Molecular consequence: missense variant.
Genome position (GRCh38, 1-based): chr1:25,812,772, T>G. VCF-style: chr1-25812772-T-G. GRCh37 (hg19) VCF-style: chr1-26139263-T-G.
Other names: c.1367T>G, p.Leu456Arg (NM_020451.3); short protein forms L456R, L422R.
Identifiers: ClinVar variation 947658 (VCV000947658.5), dbSNP rs2047977658, ClinGen allele CA339117842.
Genomic context (GRCh38, chr1:25,812,772, plus strand): 5'-CCTTCGACCGAGCCAAGGCTGAGAACAAGCTGGTGCACTCAATCCTGCTGTGGGGGGCCC[T>G]GGATGACCAGTCCTGCTGAGGTGAGGGGCCCGGCTGGATCTAAGGGGAGCAGTGGGAAAG-3'
Protein context (NP_996809.1, residues 412-432): LVHSILLWGA[Leu422Arg]DDQSCUGSGR

ClinVar aggregate classification (germline): Uncertain significance (1 of 4 stars; one submission).

Conditions:
Eichsfeld type congenital muscular dystrophy (CMYO3). Also called: MYOPATHY, SEPN1-RELATED; Rigid spine muscular dystrophy 1; SELENON-related myopathy; Congenital myopathy 3 with rigid spine. Identifiers: MedGen C0410180, MONDO:0100100, OMIM 602771.

Submission:

Labcorp Genetics (formerly Invitae), Labcorp
Classification: Uncertain significance for Eichsfeld type congenital muscular dystrophy. Last evaluated: 2022-09-13. Review status: criteria provided, single submitter. Criteria: Invitae Variant Classification Sherloc (09022015). Collection method: clinical testing. Allele origin: germline.
Comment: This sequence change replaces leucine, which is neutral and non-polar, with arginine, which is basic and polar, at codon 456 of the SELENON protein (p.Leu456Arg). This variant is not present in population databases (gnomAD no frequency). This missense change has been observed in individual(s) with clinical features of SELENON-related myopathy (Invitae). It has also been observed to segregate with disease in related individuals. ClinVar contains an entry for this variant (Variation ID: 947658). Advanced modeling of protein sequence and biophysical properties (such as structural, functional, and spatial information, amino acid conservation, physicochemical variation, residue mobility, and thermodynamic stability) has been performed at Invitae for this missense variant, however the output from this modeling did not meet the statistical confidence thresholds required to predict the impact of this variant on SELENON protein function. In summary, the available evidence is currently insufficient to determine the role of this variant in disease. Therefore, it has been classified as a Variant of Uncertain Significance.